The following is an entry in ClinVar:

NM_018699.4(PRDM5):c.299A>G (p.Gln100Arg)

Gene: PRDM5 (PR/SET domain 5; minus strand). Cytogenetic location: 4q27.
Variant type: single nucleotide variant.
Coding change: c.299A>G on transcript NM_018699.4 (MANE Select); coding-DNA position 299, A replaced by G.
Protein change: p.Gln100Arg; replaces glutamine 100 with arginine.
Molecular consequence: missense variant.
Genome position (GRCh38, 1-based): chr4:120,853,419, T>C on the plus strand (A>G on the coding strand, the complement: PRDM5 is on the minus strand). VCF-style: chr4-120853419-T-C. GRCh37 (hg19) VCF-style: chr4-121774574-T-C.
Other names: c.299A>G, p.Gln100Arg (NM_001300823.2, NM_001300824.2, NM_001379104.1 and 1 more transcripts); short protein forms Q100R.
Identifiers: ClinVar variation 3309808 (VCV003309808.1).

ClinVar aggregate classification (germline): Uncertain significance (1 of 4 stars; one submission).

Conditions:
Cardiovascular phenotype. Identifiers: MedGen CN230736.

gnomAD v4.1: 3 of 1,613,588 alleles (0.00019%); highest among the groups gnomAD compares: African/African-American, 0.0013%; no homozygotes.

Submission:

Ambry Genetics
Classification: Uncertain significance for Cardiovascular phenotype. Last evaluated: 2024-05-03. Review status: criteria provided, single submitter. Criteria: Ambry Variant Classification Scheme 2023. Collection method: clinical testing. Allele origin: germline.
Comment: The p.Q100R variant (also known as c.299A>G), located in coding exon 3 of the PRDM5 gene, results from an A to G substitution at nucleotide position 299. The glutamine at codon 100 is replaced by arginine, an amino acid with highly similar properties. This amino acid position is conserved. In addition, this alteration is predicted to be deleterious by in silico analysis. Based on the available evidence, the clinical significance of this variant remains unclear.